The following is an entry in ClinVar:

ClinVar aggregate classification (germline): Uncertain significance (1 of 4 stars; one submission).

Allele frequency attached by ClinVar (database versions not stated): TOPMed 0.00003; gnomAD exomes 0.00004; ExAC 0.00005.
gnomAD v4.1: 138 of 1,551,698 alleles (0.0089%); highest among the groups gnomAD compares: Non-Finnish European, 0.011%; 1 homozygote.

Submission:

Labcorp Genetics (formerly Invitae), Labcorp
Classification: Uncertain significance. Last evaluated: 2026-01-23. Review status: criteria provided, single submitter. Criteria: Invitae Variant Classification Sherloc (09022015). Collection method: clinical testing. Allele origin: germline.
Comment: This sequence change replaces glycine, which is neutral and non-polar, with cysteine, which is neutral and slightly polar, at codon 84 of the MMP9 protein (p.Gly84Cys). This variant is present in population databases (rs143695450, gnomAD 0.01%). This variant has not been reported in the literature in individuals affected with MMP9-related conditions. ClinVar contains an entry for this variant (Variation ID: 1470311). Invitae Evidence Modeling of protein sequence and biophysical properties (such as structural, functional, and spatial information, amino acid conservation, physicochemical variation, residue mobility, and thermodynamic stability) has been performed for this missense variant. However, the output from this modeling did not meet the statistical confidence thresholds required to predict the impact of this variant on MMP9 protein function. In summary, the available evidence is currently insufficient to determine the role of this variant in disease. Therefore, it has been classified as a Variant of Uncertain Significance.

NM_004994.3(MMP9):c.250G>T (p.Gly84Cys)

Gene: MMP9 (matrix metallopeptidase 9; plus strand). Cytogenetic location: 20q13.12.
Variant type: single nucleotide variant.
Coding change: c.250G>T on transcript NM_004994.3 (MANE Select); coding-DNA position 250, G replaced by T.
Protein change: p.Gly84Cys; replaces glycine 84 with cysteine.
Molecular consequence: missense variant.
Genome position (GRCh38, 1-based): chr20:46,009,977, G>T. VCF-style: chr20-46009977-G-T. GRCh37 (hg19) VCF-style: chr20-44638616-G-T.
Other names: short protein forms G84C.
Identifiers: ClinVar variation 1470311 (VCV001470311.6), dbSNP rs143695450, ClinGen allele CA9886346.